The following is an entry in ClinVar:

NM_000512.5(GALNS):c.1438G>T (p.Val480Phe)

Genes: GALNS (galactosamine (N-acetyl)-6-sulfatase; minus strand), LOC126862447 (CDK7 strongly-dependent group 2 enhancer GRCh37_chr16:88884193-88885392; plus strand). Cytogenetic location: 16q24.3.
Variant type: single nucleotide variant.
Coding change: c.1438G>T on transcript NM_000512.5 (MANE Select); coding-DNA position 1438, G replaced by T.
Protein change: p.Val480Phe; replaces valine 480 with phenylalanine.
Molecular consequence: missense variant.
Genome position (GRCh38, 1-based): chr16:88,818,051, C>A on the plus strand (G>T on the coding strand, the complement: GALNS is on the minus strand). VCF-style: chr16-88818051-C-A. GRCh37 (hg19) VCF-style: chr16-88884459-C-A.
Other names: c.883G>T, p.Val295Phe (NM_001323543.2); c.1456G>T, p.Val486Phe (NM_001323544.2); short protein forms V480F, V295F, V486F.
Identifiers: ClinVar variation 284192 (VCV000284192.44), dbSNP rs151296605, ClinGen allele CA8234665.

ClinVar aggregate classification (germline): Benign/Likely benign. Review status: criteria provided, multiple submitters, no conflicts (2 of 4 stars). 14 submissions from 14 submitters: Benign (7); Likely benign (4). 3 of the submissions do not count toward it. Last evaluated 2026-01-28.

Conditions:
Mucopolysaccharidosis, MPS-IV-A (MPS4A). Also called: GALACTOSAMINE-6-SULFATASE DEFICIENCY; GALNS DEFICIENCY; Mucopolysaccharidosis Type IVA; Morquio syndrome A, mild; MORQUIO SYNDROME A; Mucopolysaccharidosis type IV A. Identifiers: Orphanet 309297, Orphanet 582, MedGen C0086651, MONDO:0009659, OMIM 253000.

Allele frequency attached by ClinVar (database versions not stated): gnomAD exomes 0.00058 and 0.00134; ExAC 0.00286; gnomAD 0.00559 and 0.00596; ESP Exome Variant Server 0.00588; TOPMed 0.00591; 1000 Genomes Project 0.00739; 1000 Genomes Project 30x 0.00906.
gnomAD v4.1: 1,760 of 1,582,582 alleles (0.11%); highest among the groups gnomAD compares: African/African-American, 2%; 23 homozygotes.

Submissions (14):

Labcorp Genetics (formerly Invitae), Labcorp
Classification: Benign for Mucopolysaccharidosis, MPS-IV-A. Last evaluated: 2026-01-28. Review status: criteria provided, single submitter. Criteria: Invitae Variant Classification Sherloc (09022015). Collection method: clinical testing. Allele origin: germline.

CeGaT Center for Human Genetics Tuebingen
Classification: Benign. Last evaluated: 2025-09-01. Review status: criteria provided, single submitter. Criteria: CeGaT Center For Human Genetics Tuebingen Variant Classification Criteria Version 2. Collection method: clinical testing. Allele origin: germline. Affected: yes. Observed: 1 variant allele.
Comment: GALNS: BP4, BS1, BS2

Genomic Medicine Center of Excellence, King Faisal Specialist Hospital and Research Centre
Classification: Likely benign. Last evaluated: 2025-08-18. Review status: criteria provided, single submitter. Criteria: ACMG Guidelines, 2015. Collection method: clinical testing. Allele origin: germline.

Fulgent Genetics
Classification: Likely benign for Mucopolysaccharidosis, MPS-IV-A. Last evaluated: 2022-01-13. Review status: criteria provided, single submitter. Criteria: ACMG Guidelines, 2015. Collection method: clinical testing. Allele origin: unknown.

Genome-Nilou Lab
Classification: Benign for Mucopolysaccharidosis, MPS-IV-A. Last evaluated: 2021-11-07. Review status: criteria provided, single submitter. Criteria: ACMG Guidelines, 2015. Collection method: clinical testing. Allele origin: germline. Affected: no.

Laboratory of Diagnosis and Therapy of Lysosomal Disorders, University of Padova
Classification: Likely benign for Mucopolysaccharidosis, MPS-IV-A. Last evaluated: 2021-02-01. Review status: criteria provided, single submitter. Criteria: ACMG Guidelines, 2015. Collection method: curation. Allele origin: germline. Affected: yes.
Comment: In vivo functional studies supportive of a damaging effect on the gene product (low to null enzymatic activity in homozygotes; PS3_supporting); allele frequency is greater than expected for disorder(BS1_strong); multiple lines of computational evidence suggest no impact on gene or gene product (BP4_supporting)

GeneDx
Classification: Benign. Last evaluated: 2020-02-14. Review status: criteria provided, single submitter. Criteria: GeneDx Variant Classification Process June 2021. Collection method: clinical testing. Allele origin: germline. Affected: yes.
Comment: This variant is associated with the following publications: (PMID: 25545067)

Dubai Health Genomic Medicine Center, Dubai Health
Classification: Benign for Mucopolysaccharidosis, MPS-IV-A. Last evaluated: 2020-01-02. Review status: criteria provided, single submitter. Criteria: ACMG Guidelines, 2015. Collection method: clinical testing. Allele origin: germline. Affected: yes.

Illumina Laboratory Services, Illumina
Classification: Benign for Mucopolysaccharidosis, MPS-IV-A. Last evaluated: 2017-04-27. Review status: criteria provided, single submitter. Criteria: ICSL Variant Classification Criteria 13 December 2019. Collection method: clinical testing. Allele origin: germline.
Comment: This variant was observed as part of a predisposition screen in an ostensibly healthy population. A literature search was performed for the gene, cDNA change, and amino acid change (where applicable). Publications were found based on this search. The evidence from the literature, in combination with allele frequency data from public databases where available, was sufficient to rule this variant out of causing disease. Therefore, this variant is classified as benign.

Eurofins Ntd Llc (ga)
Classification: Benign. Last evaluated: 2015-11-06. Review status: criteria provided, single submitter. Criteria: EGL Classification Definitions 2015. Collection method: clinical testing. Allele origin: germline. Observed: 1 variant allele, 1 heterozygote.

Breakthrough Genomics
Classification: Likely benign. Review status: criteria provided, single submitter. Criteria: ACMG Guidelines, 2015. Collection method: not provided. Allele origin: germline. Inheritance: Autosomal recessive inheritance. Affected: yes.

Mayo Clinic Laboratories, Mayo Clinic
Classification: Uncertain significance. Last evaluated: 2017-03-16. Review status: no assertion criteria provided. Collection method: clinical testing. Allele origin: unknown. Not counted in ClinVar's aggregate classification.

Diagnostic Laboratory, Department of Genetics, University Medical Center Groningen
Classification: Benign. Review status: no assertion criteria provided. Collection method: clinical testing. Allele origin: germline. Affected: yes. Study: VKGL Data-share Consensus. Not counted in ClinVar's aggregate classification.

Laboratory of Diagnostic Genome Analysis, Leiden University Medical Center (LUMC)
Classification: Likely benign. Review status: no assertion criteria provided. Collection method: clinical testing. Allele origin: germline. Affected: yes. Study: VKGL Data-share Consensus. Not counted in ClinVar's aggregate classification.

Literature cited by the submitters: PubMed 25545067 (cited by Laboratory of Diagnosis and Therapy of Lysosomal Disorders, University of Padova and Illumina Laboratory Services, Illumina); PubMed 34387910 (cited by Laboratory of Diagnosis and Therapy of Lysosomal Disorders, University of Padova).